The following is an entry in ClinVar:

NM_015599.3(PGM3):c.*2758T>G

Genes: DOP1A (DOP1 leucine zipper like protein A; plus strand), PGM3 (phosphoglucomutase 3; minus strand). Cytogenetic location: 6q14.1.
Variant type: single nucleotide variant.
Coding change: c.*2758T>G on transcript NM_015599.3 (MANE Select); 2758 bases downstream of the stop codon, T replaced by G.
Molecular consequence: 3 prime UTR variant. On other transcripts: intron variant (12).
Genome position (GRCh38, 1-based): chr6:83,166,476, A>C on the plus strand (T>G on the coding strand, the complement: PGM3 is on the minus strand). VCF-style: chr6-83166476-A-C. GRCh37 (hg19) VCF-style: chr6-83876195-A-C.
Other names: c.*2758T>G (NM_001199917.2, NM_001367286.1, NM_001367287.1); c.*2822T>G (NM_001199918.2); c.7093-1386A>C (NM_015018.4); c.7063-1386A>C (NM_001385860.1, NM_001385861.1, NM_001385856.1 and 1 more transcripts); c.7126-1386A>C (NM_001199942.2, NM_001385863.1); c.7066-1386A>C (NM_001385865.1); c.5557-1386A>C (NM_001385864.1); c.*27-1386A>C (NM_001385859.1); and 2 more.
Identifiers: ClinVar variation 3049258 (VCV003049258.2), dbSNP rs2537678508, ClinGen allele CA2740091455.

ClinVar aggregate classification (germline): Likely benign (0 of 4 stars; one submission).

Conditions:
PGM3-related disorder. Also called: PGM3-related condition.

Submission:

PreventionGenetics, part of Exact Sciences
Classification: Likely benign for PGM3-related condition. Last evaluated: 2020-01-08. Review status: no assertion criteria provided. Collection method: clinical testing. Allele origin: germline.
Comment: This variant is classified as likely benign based on ACMG/AMP sequence variant interpretation guidelines (Richards et al. 2015 PMID: 25741868, with internal and published modifications).